The following is an entry in ClinVar:

ClinVar aggregate classification (germline): Pathogenic (1 of 4 stars; one submission).

Conditions:
Hereditary fructosuria. Also called: ALDOB DEFICIENCY; ALDOLASE B DEFICIENCY; FRUCTOSE-1,6-BISPHOSPHATE ALDOLASE B DEFICIENCY; FRUCTOSE-1-PHOSPHATE ALDOLASE DEFICIENCY; FRUCTOSEMIA; Hereditary fructose intolerance. Identifiers: Orphanet 469, MedGen C0016751, MONDO:0009249, OMIM 229600, HP:0005973. Disease mechanism: loss of function.

Submission:

Natera, Inc.
Classification: Pathogenic for Fructose intolerance. Last evaluated: 2025-08-26. Review status: criteria provided, single submitter. Criteria: Natera Variant Classification Schema (03/2026). Collection method: clinical testing. Allele origin: germline.
Comment: The c.324+1delG variant in ALDOB is a canonical splice donor site variant predicted to affect pre-mRNA splicing, which may result in an abnormal transcript and altered protein product. This variant is expected to result in nonsense mediated decay, truncation, or a dysfunctional protein product. This variant is rare in the general population with a frequency below the threshold expected for the associated phenotype(s). Another variant at this same site results in an alteration predicted to cause a similar molecular effect has been observed in individual(s) with the associated phenotype. Given the available evidence, this variant is classified as Pathogenic.

NM_000035.4(ALDOB):c.324+1del

Gene: ALDOB (aldolase, fructose-bisphosphate B; minus strand). Cytogenetic location: 9q31.1.
Variant type: Deletion.
Coding change: c.324+1del on transcript NM_000035.4 (MANE Select); the canonical splice donor site of the intron after coding-DNA position 324, one base deleted (G; older notation c.324+1delG).
Molecular consequence: splice donor variant.
Genome position (GRCh38, 1-based): chr9:101,429,754, C deleted on the plus strand (G on the coding strand, the reverse complement: ALDOB is on the minus strand); the first of 2 consecutive C bases (chr9:101,429,754-101,429,755); deleting either gives the same sequence. VCF-style (leftmost placement, unchanged base first): chr9-101429753-AC-A. GRCh37 (hg19) VCF-style: chr9-104192035-AC-A.
Identifiers: ClinVar variation 4818095 (VCV004818095.1).